The following is an entry in ClinVar:

ClinVar aggregate classification (germline): Pathogenic (1 of 4 stars; one submission).

Submission:

Labcorp Genetics (formerly Invitae), Labcorp
Classification: Pathogenic. Last evaluated: 2023-01-13. Review status: criteria provided, single submitter. Criteria: Invitae Variant Classification Sherloc (09022015). Collection method: clinical testing. Allele origin: germline.
Comment: For these reasons, this variant has been classified as Pathogenic. This variant has not been reported in the literature in individuals affected with FKBP10-related conditions. This variant is not present in population databases (gnomAD no frequency). This sequence change creates a premature translational stop signal (p.Asp304Glnfs*67) in the FKBP10 gene. It is expected to result in an absent or disrupted protein product. Loss-of-function variants in FKBP10 are known to be pathogenic (PMID: 22689593, 22949511).

Literature cited by the submitters: PubMed 22689593; PubMed 22949511.

NM_021939.4(FKBP10):c.910_914del (p.Asp304fs)

Gene: FKBP10 (FKBP prolyl isomerase 10; plus strand). Cytogenetic location: 17q21.2.
Variant type: Deletion.
Coding change: c.910_914del on transcript NM_021939.4 (MANE Select); coding-DNA positions 910 to 914, 5 bases deleted (GATTC; older notation c.910_914delGATTC).
Protein change: p.Asp304fs; shifts the reading frame from aspartic acid 304.
Molecular consequence: frameshift variant.
Genome position (GRCh38, 1-based): chr17:41,819,392-41,819,396, GATTC deleted; deleting any 5 consecutive bases within chr17:41,819,389-41,819,396 gives the same sequence; the c. name uses the placement nearest the transcript's 3' end. VCF-style (leftmost placement, unchanged base first): chr17-41819388-CTTCGA-C. GRCh37 (hg19) VCF-style: chr17-39975640-CTTCGA-C.
Other names: short protein forms D304fs.
Identifiers: ClinVar variation 2828109 (VCV002828109.3), dbSNP rs2544436900, ClinGen allele CA2739267537.